The following is an entry in ClinVar:

ClinVar aggregate classification (germline): Uncertain significance. Review status: criteria provided, multiple submitters, no conflicts (2 of 4 stars). 2 submissions from 2 submitters: Uncertain significance (2). Last evaluated 2025-08-14.

Conditions:
MAGEL2-related disorder. Also called: MAGEL2-related condition.

Submissions (2):

PreventionGenetics, part of Exact Sciences
Classification: Uncertain significance for MAGEL2-related condition. Last evaluated: 2025-08-14. Review status: criteria provided, single submitter. Criteria: ACMG Guidelines, 2015. Collection method: clinical testing. Allele origin: germline.
Comment: The MAGEL2 c.2524A>G variant is predicted to result in the amino acid substitution p.Met842Val. To our knowledge, this variant has not been reported in the literature or in a large population database (gnomAD), indicating this variant is rare. At this time, the clinical significance of this variant is uncertain due to the absence of conclusive functional and genetic evidence.

Labcorp Genetics (formerly Invitae), Labcorp
Classification: Uncertain significance. Last evaluated: 2023-02-24. Review status: criteria provided, single submitter. Criteria: Invitae Variant Classification Sherloc (09022015). Collection method: clinical testing. Allele origin: germline.
Comment: This sequence change replaces methionine, which is neutral and non-polar, with valine, which is neutral and non-polar, at codon 842 of the MAGEL2 protein (p.Met842Val). This variant is not present in population databases (gnomAD no frequency). This variant has not been reported in the literature in individuals affected with MAGEL2-related conditions. Advanced modeling of protein sequence and biophysical properties (such as structural, functional, and spatial information, amino acid conservation, physicochemical variation, residue mobility, and thermodynamic stability) performed at Invitae indicates that this missense variant is not expected to disrupt MAGEL2 protein function. In summary, the available evidence is currently insufficient to determine the role of this variant in disease. Therefore, it has been classified as a Variant of Uncertain Significance.

NM_019066.5(MAGEL2):c.2524A>G (p.Met842Val)

Gene: MAGEL2 (MAGE family member L2; minus strand). Cytogenetic location: 15q11.2.
Variant type: single nucleotide variant.
Coding change: c.2524A>G on transcript NM_019066.5 (MANE Select); coding-DNA position 2524, A replaced by G.
Protein change: p.Met842Val; replaces methionine 842 with valine.
Molecular consequence: missense variant.
Genome position (GRCh38, 1-based): chr15:23,645,219, T>C on the plus strand (A>G on the coding strand, the complement: MAGEL2 is on the minus strand). VCF-style: chr15-23645219-T-C. GRCh37 (hg19) VCF-style: chr15-23890366-T-C.
Other names: c.2524A>G (NM_019066.4); short protein forms M842V.
Identifiers: ClinVar variation 2783857 (VCV002783857.4), dbSNP rs2503976952, ClinGen allele CA391331003.